The following is an entry in ClinVar:

NM_001792.5(CDH2):c.1306G>A (p.Asp436Asn)

Gene: CDH2 (cadherin 2; minus strand). Cytogenetic location: 18q12.1.
Variant type: single nucleotide variant.
Coding change: c.1306G>A on transcript NM_001792.5 (MANE Select); coding-DNA position 1306, G replaced by A.
Protein change: p.Asp436Asn; replaces aspartic acid 436 with asparagine.
Molecular consequence: missense variant.
Genome position (GRCh38, 1-based): chr18:27,992,693, C>T on the plus strand (G>A on the coding strand, the complement: CDH2 is on the minus strand). VCF-style: chr18-27992693-C-T. GRCh37 (hg19) VCF-style: chr18-25572657-C-T.
Other names: c.1213G>A, p.Asp405Asn (NM_001308176.2); c.1306G>A (NM_001792.3); short protein forms D405N, D436N.
Identifiers: ClinVar variation 1415384 (VCV001415384.8), dbSNP rs142861371, ClinGen allele CA8923458.
Genomic context (GRCh38, chr18:27,992,693, plus strand): 5'-CAGTGGCCCGAGGAACACTTACTTTGACCACGGTGACTAACCCGTCGTTGCTGTTTGGGT[C>T]GGTCTGGATGGCGAACCGTCCAGTAGGATCTCCGCCACTGATTCTGTACACTGCGTTCCA-3'
Protein context (NP_001783.2, residues 426-446): DPTGRFAIQT[Asp436Asn]PNSNDGLVTV

ClinVar aggregate classification (germline): Conflicting classifications of pathogenicity. Review status: criteria provided, conflicting classifications (1 of 4 stars). 4 submissions from 4 submitters: Uncertain significance (2); Likely benign (2). Last evaluated 2026-01-13.

Conditions:
Inborn genetic diseases. Identifiers: MedGen C0950123, MeSH D030342.
Arrhythmogenic right ventricular dysplasia, familial, 14. Also called: ARRHYTHMOGENIC RIGHT VENTRICULAR CARDIOMYOPATHY 14. Identifiers: MedGen C5394505, MONDO:0030062, OMIM 618920.

Allele frequency attached by ClinVar (database versions not stated): gnomAD exomes 0.00004; ExAC 0.00006; gnomAD 0.00008 and 0.00009; TOPMed 0.00012; ESP Exome Variant Server 0.00023.
gnomAD v4.1: 43 of 1,613,366 alleles (0.0027%); highest among the groups gnomAD compares: African/African-American, 0.041%; no homozygotes.

Submissions (4):

Labcorp Genetics (formerly Invitae), Labcorp
Classification: Uncertain significance. Last evaluated: 2026-01-13. Review status: criteria provided, single submitter. Criteria: Invitae Variant Classification Sherloc (09022015). Collection method: clinical testing. Allele origin: germline.
Comment: This sequence change replaces aspartic acid, which is acidic and polar, with asparagine, which is neutral and polar, at codon 436 of the CDH2 protein (p.Asp436Asn). This variant is present in population databases (rs142861371, gnomAD 0.04%). This variant has not been reported in the literature in individuals affected with CDH2-related conditions. ClinVar contains an entry for this variant (Variation ID: 1415384). An algorithm developed to predict the effect of missense changes on protein structure and function (PolyPhen-2) suggests that this variant is likely to be disruptive. In summary, the available evidence is currently insufficient to determine the role of this variant in disease. Therefore, it has been classified as a Variant of Uncertain Significance.

Ambry Genetics
Classification: Likely benign for Inborn genetic diseases. Last evaluated: 2025-08-30. Review status: criteria provided, single submitter. Criteria: Ambry Variant Classification Scheme 2023. Collection method: clinical testing. Allele origin: germline.

Blueprint Genetics
Classification: Likely benign. Last evaluated: 2024-09-11. Review status: criteria provided, single submitter. Criteria: ACMG Guidelines, 2015. Collection method: clinical testing. Allele origin: germline.

New York Genome Center
Classification: Uncertain significance for Arrhythmogenic right ventricular dysplasia, familial, 14. Last evaluated: 2022-08-12. Review status: criteria provided, single submitter. Criteria: NYGC Assertion Criteria 2020. Collection method: clinical testing. Allele origin: germline. Observed: 1 heterozygote.
Comment: The c.1306G>A p.(Asp436Asn) variant in the CDH2 gene has not previously been reported in the literature and has been deposited in ClinVar as a Variant of Uncertain Significance [ClinVar ID: 1415384]. The c.1306G>A variant is observed in 48 alleles (~0.01% minor allele frequency with 0 homozygotes) in population databases (gnomAD v2.1.1 and v3.1.2, TOPMed Freeze 8), suggesting it is not a common benign variant in the populations represented in those databases. The c.1306G>A variant in CDH2 is located in exon 9 of this 16-exon gene, and predicted to replace an evolutionarily conserved aspartic acid amino acid with asparagine at position 436 in the Cadherin 3 (EC3) domain of the encoded protein. In silico predictions are inconclusive of the variant's effect [(CADD v1.6 =24, REVEL = 0.328)]; however, there are no functional studies to support or refute these predictions. A variant nearby p.(Asp436) residue within the Cadherin 3 (EC3) domain has been reported in the literature in individuals with arrhythmogenic cardiomyopathy [PMID: 33566628]. Based on available evidence this c.1306G>A p.(Asp436Asn) variant identified in CDH2 is classified as a Variant of Uncertain Significance.